The following is an entry in ClinVar:

NM_006412.4(AGPAT2):c.646_647inv (p.Lys216Leu)

Gene: AGPAT2 (1-acylglycerol-3-phosphate O-acyltransferase 2; minus strand). Cytogenetic location: 9q34.3.
Variant type: Inversion.
Coding change: c.646_647inv on transcript NM_006412.4 (MANE Select).
Protein change: p.Lys216Leu; replaces lysine 216 with leucine.
Molecular consequence: missense variant.
Genome position: GRCh38 VCF-style: chr9-136674749-TT-AA. GRCh37 (hg19) VCF-style: chr9-139569201-TT-AA.
Other names: c.550_551inv, p.Lys184Leu (NM_001012727.2); c.646_647delinsTT (NM_006412.3); c.646_647delAAinsTT (NM_006412.4); short protein forms K216L, K184L.
Identifiers: ClinVar variation 2170449 (VCV002170449.5), ClinGen allele CA2580080924.

ClinVar aggregate classification (germline): Uncertain significance. Review status: criteria provided, multiple submitters, no conflicts (2 of 4 stars). 3 submissions from 3 submitters: Uncertain significance (2). 1 of the submissions does not count toward it. Last evaluated 2024-08-05.

Conditions:
AGPAT2-related disorder. Also called: AGPAT2-related condition.
Congenital generalized lipodystrophy type 1 (CGL1). Also called: BRUNZELL SYNDROME, AGPAT2-RELATED; Berardinelli-Seip Congenital Lipodystrophy Type 1. Identifiers: Orphanet 528, Orphanet 696189, MedGen C1720862, MONDO:0012071, OMIM 608594.

Submissions (3):

Labcorp Genetics (formerly Invitae), Labcorp
Classification: Uncertain significance. Last evaluated: 2024-08-05. Review status: criteria provided, single submitter. Criteria: Invitae Variant Classification Sherloc (09022015). Collection method: clinical testing. Allele origin: germline.
Comment: This sequence change replaces lysine, which is basic and polar, with leucine, which is neutral and non-polar, at codon 216 of the AGPAT2 protein (p.Lys216Leu). This variant is present in population databases (no rsID available, gnomAD 0.05%), and has an allele count higher than expected for a pathogenic variant. This variant has not been reported in the literature in individuals affected with AGPAT2-related conditions. ClinVar contains an entry for this variant (Variation ID: 2170449). An algorithm developed to predict the effect of missense changes on protein structure and function (PolyPhen-2) suggests that this variant¬†is likely to be tolerated. In summary, the available evidence is currently insufficient to determine the role of this variant in disease. Therefore, it has been classified as a Variant of Uncertain Significance.

New York Genome Center
Classification: Uncertain significance for Congenital generalized lipodystrophy type 1. Last evaluated: 2022-04-15. Review status: criteria provided, single submitter. Criteria: NYGC Assertion Criteria 2020. Collection method: clinical testing. Allele origin: germline. Observed: 2 heterozygotes. Clinical features observed: Hyperlipidemia (HP:0003077), Diabetes mellitus (HP:0000819), Type 2 diabetes mellitus (HP:0005978).

PreventionGenetics, part of Exact Sciences
Classification: Uncertain significance for AGPAT2-related condition. Last evaluated: 2023-12-18. Review status: no assertion criteria provided. Collection method: clinical testing. Allele origin: germline. Not counted in ClinVar's aggregate classification.
Comment: The AGPAT2 c.646_647delinsTT variant is predicted to result in an in-frame deletion and insertion. To our knowledge, this variant has not been reported in the literature or in a large population database, indicating this variant is rare. At this time, the clinical significance of this variant is uncertain due to the absence of conclusive functional and genetic evidence.